The following is an entry in ClinVar:

ClinVar aggregate classification (germline): Likely pathogenic. Review status: criteria provided, multiple submitters, no conflicts (2 of 4 stars). 2 submissions from 2 submitters: Likely pathogenic (2). Last evaluated 2022-12-31.

Conditions:
CERKL-related disorders.

Allele frequency attached by ClinVar (database versions not stated): gnomAD exomes below 0.00001.
gnomAD v4.1: 1 of 1,613,176 alleles (0.000062%); highest among the groups gnomAD compares: Non-Finnish European, 0.000085%; no homozygotes.

Submissions (2):

Labcorp Genetics (formerly Invitae), Labcorp
Classification: Likely pathogenic. Last evaluated: 2022-12-31. Review status: criteria provided, single submitter. Criteria: Invitae Variant Classification Sherloc (09022015). Collection method: clinical testing. Allele origin: germline.
Comment: In summary, the currently available evidence indicates that the variant is pathogenic, but additional data are needed to prove that conclusively. Therefore, this variant has been classified as Likely Pathogenic. Algorithms developed to predict the effect of sequence changes on RNA splicing suggest that this variant may disrupt the consensus splice site. ClinVar contains an entry for this variant (Variation ID: 866781). This variant has not been reported in the literature in individuals affected with CERKL-related conditions. This variant is not present in population databases (gnomAD no frequency). This sequence change affects an acceptor splice site in intron 7 of the CERKL gene. It is expected to disrupt RNA splicing. Variants that disrupt the donor or acceptor splice site typically lead to a loss of protein function (PMID: 16199547), and loss-of-function variants in CERKL are known to be pathogenic (PMID: 14681825, 23591405, 24043777).

Blueprint Genetics
Classification: Likely pathogenic for CERKL-related disorders. Last evaluated: 2018-07-09. Review status: criteria provided, single submitter. Criteria: ACMG Guidelines, 2015. Collection method: clinical testing. Allele origin: germline. Affected: yes. Observed: 1 variant allele.

Literature cited by the submitters: PubMed 16199547 (cited by Labcorp Genetics (formerly Invitae), Labcorp); PubMed 14681825 (cited by Labcorp Genetics (formerly Invitae), Labcorp); PubMed 23591405 (cited by Labcorp Genetics (formerly Invitae), Labcorp); PubMed 24043777 (cited by Labcorp Genetics (formerly Invitae), Labcorp).

NM_201548.5(CERKL):c.896-1G>A

Gene: CERKL (CERK like autophagy regulator; minus strand). Cytogenetic location: 2q31.3.
Variant type: single nucleotide variant.
Coding change: c.896-1G>A on transcript NM_201548.5 (MANE Select); the canonical splice acceptor site of the intron before coding-DNA position 896, G replaced by A.
Molecular consequence: splice acceptor variant.
Genome position (GRCh38, 1-based): chr2:181,548,858, C>T on the plus strand (G>A on the coding strand, the complement: CERKL is on the minus strand). VCF-style: chr2-181548858-C-T. GRCh37 (hg19) VCF-style: chr2-182413585-C-T.
Other names: c.557-1G>A (NM_001030312.3); c.842-1G>A (NM_001160277.2); c.689-1G>A (NM_001030313.3); c.974-1G>A (NM_001030311.3).
Identifiers: ClinVar variation 866781 (VCV000866781.5), dbSNP rs1687854945, ClinGen allele CA349737547.